The following is an entry in ClinVar:

NM_001256007.3(PNPLA8):c.307C>T (p.Arg103Cys)

Gene: PNPLA8 (patatin like domain 8, phospholipase A2; minus strand). Cytogenetic location: 7q31.1.
Variant type: single nucleotide variant.
Coding change: c.307C>T on transcript NM_001256007.3 (MANE Select); coding-DNA position 307, C replaced by T.
Protein change: p.Arg103Cys; replaces arginine 103 with cysteine.
Molecular consequence: missense variant.
Genome position (GRCh38, 1-based): chr7:108,515,185, G>A on the plus strand (C>T on the coding strand, the complement: PNPLA8 is on the minus strand). VCF-style: chr7-108515185-G-A. GRCh37 (hg19) VCF-style: chr7-108155629-G-A.
Other names: c.307C>T, p.Arg103Cys (NM_001256008.3, NM_001256009.3, NM_015723.5); c.7C>T, p.Arg3Cys (NM_001256010.3, NM_001256011.3); short protein forms R103C, R3C.
Identifiers: ClinVar variation 1925802 (VCV001925802.5), dbSNP rs748773667, ClinGen allele CA4439849.

ClinVar aggregate classification (germline): Uncertain significance (1 of 4 stars; one submission).

Allele frequency attached by ClinVar (database versions not stated): ExAC 0.00001; gnomAD 0.00002; gnomAD exomes 0.00002; TOPMed 0.00002.

Submission:

Labcorp Genetics (formerly Invitae), Labcorp
Classification: Uncertain significance. Last evaluated: 2023-08-04. Review status: criteria provided, single submitter. Criteria: Invitae Variant Classification Sherloc (09022015). Collection method: clinical testing. Allele origin: germline.
Comment: In summary, the available evidence is currently insufficient to determine the role of this variant in disease. Therefore, it has been classified as a Variant of Uncertain Significance. An algorithm developed to predict the effect of missense changes on protein structure and function (PolyPhen-2) suggests that this variant is likely to be disruptive. ClinVar contains an entry for this variant (Variation ID: 1925802). This variant has not been reported in the literature in individuals affected with PNPLA8-related conditions. This variant is present in population databases (rs748773667, gnomAD 0.003%). This sequence change replaces arginine, which is basic and polar, with cysteine, which is neutral and slightly polar, at codon 103 of the PNPLA8 protein (p.Arg103Cys).